The following is an entry in ClinVar:

NM_000377.3(WAS):c.1315C>T (p.Arg439Trp)

Gene: WAS (WASP actin nucleation promoting factor; plus strand). Cytogenetic location: Xp11.23.
Variant type: single nucleotide variant.
Coding change: c.1315C>T on transcript NM_000377.3 (MANE Select); coding-DNA position 1315, C replaced by T.
Protein change: p.Arg439Trp; replaces arginine 439 with tryptophan.
Molecular consequence: missense variant.
Genome position (GRCh38, 1-based): chrX:48,689,043, C>T. VCF-style: chrX-48689043-C-T. GRCh37 (hg19) VCF-style: chrX-48547432-C-T.
Other names: c.1159C>T, p.Arg387Trp (NM_001438876.1, NM_001438878.1); c.1315C>T, p.Arg439Trp (NM_001438877.1, NM_001438879.1); short protein forms R387W, R439W.
Identifiers: ClinVar variation 4794805 (VCV004794805.2).

ClinVar aggregate classification (germline): Uncertain significance. Review status: criteria provided, multiple submitters, no conflicts (2 of 4 stars). 2 submissions from 2 submitters: Uncertain significance (2). Last evaluated 2026-07-06.

Conditions:
X-linked severe congenital neutropenia (SCNX). Identifiers: Orphanet 86788, MedGen C1845987, MONDO:0010294, OMIM 300299.
Thrombocytopenia 1. Also called: X-linked thrombocytopenia with normal platelets; THROMBOCYTOPENIA, X-LINKED, 1; X-Linked Thrombocytopenia (XLT). Identifiers: Orphanet 268322, Orphanet 852, MedGen C1839163, MONDO:0010743, OMIM 313900.
Wiskott-Aldrich syndrome (WAS). Also called: ALDRICH SYNDROME; IMMUNODEFICIENCY 2; WISKOTT-ALDRICH SYNDROME 1; Wiskott-aldrich syndrome, somatic. Identifiers: Orphanet 906, MedGen C0043194, MONDO:0010518, OMIM 301000.
WAS-related disorder. Also called: WAS-Related Disorders; WAS-related condition. Identifiers: MedGen CN381538.

Submissions (2):

PreventionGenetics, part of Exact Sciences
Classification: Uncertain significance for WAS-related condition. Last evaluated: 2026-07-06. Review status: criteria provided, single submitter. Criteria: ACMG Guidelines, 2015. Collection method: clinical testing. Allele origin: germline.
Comment: The WAS c.1315C>T variant is predicted to result in the amino acid substitution p.Arg439Trp. This variant has been reported in an individual with Wiskott-Aldrich syndrome (Liu et al. 2019. PubMed ID: 31104664). This variant has not been reported in a large population database (gnomAD), indicating this variant is rare. At this time, the clinical significance of this variant is uncertain due to the absence of conclusive functional and genetic evidence.

Labcorp Genetics (formerly Invitae), Labcorp
Classification: Uncertain significance for Wiskott-Aldrich syndrome; X-linked severe congenital neutropenia; Thrombocytopenia 1. Last evaluated: 2025-08-18. Review status: criteria provided, single submitter. Criteria: Invitae Variant Classification Sherloc (09022015). Collection method: clinical testing. Allele origin: germline.
Comment: This sequence change replaces arginine, which is basic and polar, with tryptophan, which is neutral and slightly polar, at codon 439 of the WAS protein (p.Arg439Trp). This variant is not present in population databases (gnomAD no frequency). This missense change has been observed in individual(s) with X-linked thrombocytopenia (PMID: 28931895, 31104664). Invitae Evidence Modeling of protein sequence and biophysical properties (such as structural, functional, and spatial information, amino acid conservation, physicochemical variation, residue mobility, and thermodynamic stability) indicates that this missense variant is not expected to disrupt WAS protein function with a negative predictive value of 80%. In summary, the available evidence is currently insufficient to determine the role of this variant in disease. Therefore, it has been classified as a Variant of Uncertain Significance.

Literature cited by the submitters: PubMed 28931895 (cited by Labcorp Genetics (formerly Invitae), Labcorp); PubMed 31104664 (cited by Labcorp Genetics (formerly Invitae), Labcorp).